The following is an entry in ClinVar:

ClinVar aggregate classification (germline): Uncertain significance. Review status: criteria provided, multiple submitters, no conflicts (2 of 4 stars). 3 submissions from 3 submitters: Uncertain significance (3). Last evaluated 2026-01-13.

Conditions:
Inborn genetic diseases. Identifiers: MedGen C0950123, MeSH D030342.

Allele frequency attached by ClinVar (database versions not stated): TOPMed below 0.00001; gnomAD 0.00003; gnomAD exomes 0.00004 and 0.00006; ExAC 0.00006; 1000 Genomes Project 30x 0.00031.
gnomAD v4.1: 66 of 1,614,190 alleles (0.0041%); highest among the groups gnomAD compares: South Asian, 0.056%; no homozygotes.

Submissions (3):

Women's Health and Genetics/Laboratory Corporation of America, LabCorp
Classification: Uncertain significance. Last evaluated: 2026-01-13. Review status: criteria provided, single submitter. Criteria: LabCorp Variant Classification Summary - May 2015. Collection method: clinical testing. Allele origin: germline.
Comment: Variant summary: CUL7 c.1387C>T (p.Arg463Cys) results in a non-conservative amino acid change in the encoded protein sequence. Algorithms developed to predict the effect of missense changes on protein structure and function are either unavailable or do not agree on the potential impact of this missense change. The variant allele was found at a frequency of 6e-05 in 251382 control chromosomes. This frequency is not significantly higher than estimated for disease-causing variants in CUL7, allowing no conclusion about variant significance. To our knowledge, no occurrence of c.1387C>T in individuals affected with CUL7-related conditions and no experimental evidence demonstrating its impact on protein function have been reported. ClinVar contains an entry for this variant (Variation ID: 1446589). Based on the evidence outlined above, the variant was classified as uncertain significance.

Labcorp Genetics (formerly Invitae), Labcorp
Classification: Uncertain significance. Last evaluated: 2024-08-14. Review status: criteria provided, single submitter. Criteria: Invitae Variant Classification Sherloc (09022015). Collection method: clinical testing. Allele origin: germline.
Comment: This sequence change replaces arginine, which is basic and polar, with cysteine, which is neutral and slightly polar, at codon 463 of the CUL7 protein (p.Arg463Cys). This variant is present in population databases (rs768504882, gnomAD 0.04%). This variant has not been reported in the literature in individuals affected with CUL7-related conditions. ClinVar contains an entry for this variant (Variation ID: 1446589). An algorithm developed to predict the effect of missense changes on protein structure and function (PolyPhen-2) suggests that this variant is likely to be disruptive. In summary, the available evidence is currently insufficient to determine the role of this variant in disease. Therefore, it has been classified as a Variant of Uncertain Significance.

Ambry Genetics
Classification: Uncertain significance for Inborn genetic diseases. Last evaluated: 2024-06-26. Review status: criteria provided, single submitter. Criteria: Ambry Variant Classification Scheme 2023. Collection method: clinical testing. Allele origin: germline.

NM_014780.5(CUL7):c.1387C>T (p.Arg463Cys)

Gene: CUL7 (cullin 7; minus strand). Cytogenetic location: 6p21.1.
Variant type: single nucleotide variant.
Coding change: c.1387C>T on transcript NM_014780.5 (MANE Select); coding-DNA position 1387, C replaced by T.
Protein change: p.Arg463Cys; replaces arginine 463 with cysteine.
Molecular consequence: missense variant.
Genome position (GRCh38, 1-based): chr6:43,050,145, G>A on the plus strand (C>T on the coding strand, the complement: CUL7 is on the minus strand). VCF-style: chr6-43050145-G-A. GRCh37 (hg19) VCF-style: chr6-43017883-G-A.
Other names: c.1387C>T (NM_014780.4); c.1483C>T, p.Arg495Cys (NM_001168370.2, NM_001374872.1); c.1387C>T, p.Arg463Cys (NM_001374873.1, NM_001374874.1); short protein forms R495C, R463C.
Identifiers: ClinVar variation 1446589 (VCV001446589.10), dbSNP rs768504882, ClinGen allele CA3814148.